The following is an entry in ClinVar:

ClinVar aggregate classification (germline): Uncertain significance (1 of 4 stars; one submission).

Allele frequency attached by ClinVar (database versions not stated): TOPMed below 0.00001; ESP Exome Variant Server 0.00008.

Submission:

Labcorp Genetics (formerly Invitae), Labcorp
Classification: Uncertain significance. Last evaluated: 2021-10-05. Review status: criteria provided, single submitter. Criteria: Invitae Variant Classification Sherloc (09022015). Collection method: clinical testing. Allele origin: germline.
Comment: This sequence change replaces alanine with threonine at codon 402 of the FBLN5 protein (p.Ala402Thr). The alanine residue is highly conserved and there is a small physicochemical difference between alanine and threonine. This variant is not present in population databases (ExAC no frequency). This variant has not been reported in the literature in individuals affected with FBLN5-related conditions. Algorithms developed to predict the effect of missense changes on protein structure and function are either unavailable or do not agree on the potential impact of this missense change (SIFT: "Deleterious"; PolyPhen-2: "Probably Damaging"; Align-GVGD: "Class C0"). In summary, the available evidence is currently insufficient to determine the role of this variant in disease. Therefore, it has been classified as a Variant of Uncertain Significance.

NM_006329.4(FBLN5):c.1204G>A (p.Ala402Thr)

Gene: FBLN5 (fibulin 5; minus strand). Cytogenetic location: 14q32.12.
Variant type: single nucleotide variant.
Coding change: c.1204G>A on transcript NM_006329.4 (MANE Select); coding-DNA position 1204, G replaced by A.
Protein change: p.Ala402Thr; replaces alanine 402 with threonine.
Molecular consequence: missense variant. On other transcripts: synonymous variant (2).
Genome position (GRCh38, 1-based): chr14:91,870,367, C>T on the plus strand (G>A on the coding strand, the complement: FBLN5 is on the minus strand). VCF-style: chr14-91870367-C-T. GRCh37 (hg19) VCF-style: chr14-92336711-C-T.
Other names: c.1327G>A, p.Ala443Thr (NM_001384158.1); c.1255G>A, p.Ala419Thr (NM_001384159.1); c.1383G>A, p.Val461= (NM_001384160.1); c.1215G>A, p.Val405= (NM_001384161.1); c.1036G>A, p.Ala346Thr (NM_001384162.1); short protein forms A443T, A346T, A419T, A402T.
Identifiers: ClinVar variation 1479111 (VCV001479111.6), dbSNP rs147626509, ClinGen allele CA265591779.
Genomic context (GRCh38, chr14:91,870,367, plus strand): 5'-TTTCCAAGTCCAGCTGGATTTCCCGGGGCCCTTTGATGGGGCGTGTCATCACCAGGGTGG[C>T]ACTGATGGGGCCCGTTTGCTATGGACAGAACCGGGGAACACCAGTGAGAAAAGGCCTGCA-3'
Protein context (NP_006320.2, residues 392-412): FYMRQTGPIS[Ala402Thr]TLVMTRPIKG